The following is an entry in ClinVar:

ClinVar aggregate classification (germline): Uncertain significance. Review status: criteria provided, multiple submitters, no conflicts (2 of 4 stars). 2 submissions from 2 submitters: Uncertain significance (2). Last evaluated 2024-10-07.

Conditions:
Inborn genetic diseases. Identifiers: MedGen C0950123, MeSH D030342.

Allele frequency attached by ClinVar (database versions not stated): gnomAD exomes 0.00001 and 0.00002; ExAC 0.00003; 1000 Genomes Project 30x 0.00016; 1000 Genomes Project 0.00020; gnomAD 0.00001.
gnomAD v4.1: 22 of 1,613,570 alleles (0.0014%); highest among the groups gnomAD compares: South Asian, 0.018%; no homozygotes.

Submissions (2):

Ambry Genetics
Classification: Uncertain significance for Inborn genetic diseases. Last evaluated: 2024-10-07. Review status: criteria provided, single submitter. Criteria: Ambry Variant Classification Scheme 2023. Collection method: clinical testing. Allele origin: germline.

Labcorp Genetics (formerly Invitae), Labcorp
Classification: Uncertain significance. Last evaluated: 2021-09-05. Review status: criteria provided, single submitter. Criteria: Invitae Variant Classification Sherloc (09022015). Collection method: clinical testing. Allele origin: germline.
Comment: This sequence change replaces tyrosine with cysteine at codon 365 of the PLAA protein (p.Tyr365Cys). The tyrosine residue is highly conserved and there is a large physicochemical difference between tyrosine and cysteine. This variant is present in population databases (rs570107266, ExAC 0.02%). This variant has not been reported in the literature in individuals affected with PLAA-related conditions. Algorithms developed to predict the effect of missense changes on protein structure and function (SIFT, PolyPhen-2, Align-GVGD) all suggest that this variant is likely to be disruptive. In summary, the available evidence is currently insufficient to determine the role of this variant in disease. Therefore, it has been classified as a Variant of Uncertain Significance.

NM_001031689.3(PLAA):c.1094A>G (p.Tyr365Cys)

Gene: PLAA (phospholipase A2 activating protein; minus strand). Cytogenetic location: 9p21.2.
Variant type: single nucleotide variant.
Coding change: c.1094A>G on transcript NM_001031689.3 (MANE Select); coding-DNA position 1094, A replaced by G.
Protein change: p.Tyr365Cys; replaces tyrosine 365 with cysteine.
Molecular consequence: missense variant.
Genome position (GRCh38, 1-based): chr9:26,920,330, T>C on the plus strand (A>G on the coding strand, the complement: PLAA is on the minus strand). VCF-style: chr9-26920330-T-C. GRCh37 (hg19) VCF-style: chr9-26920328-T-C.
Other names: c.1094A>G, p.Tyr365Cys (NM_001321546.2); c.1094A>G (NM_001031689.2); short protein forms Y365C.
Identifiers: ClinVar variation 1483389 (VCV001483389.4), dbSNP rs570107266, ClinGen allele CA5014464.